The following is an entry in ClinVar:

ClinVar aggregate classification (germline): Uncertain significance (1 of 4 stars; one submission).

Conditions:
Gorlin syndrome. Also called: Basal cell nevus syndrome; Nevoid Basal Cell Carcinoma Syndrome. Identifiers: Orphanet 377, MedGen C0004779, MONDO:0007187.

Allele frequency attached by ClinVar (database versions not stated): gnomAD exomes 0.00001.
gnomAD v4.1: 3 of 1,613,962 alleles (0.00019%); highest among the groups gnomAD compares: Non-Finnish European, 0.00025%; no homozygotes.

Submission:

St. Jude Molecular Pathology, St. Jude Children's Research Hospital
Classification: Uncertain significance for Basal cell nevus syndrome 1. Last evaluated: 2021-12-21. Review status: criteria provided, single submitter. Criteria: St. Jude Assertion Criteria 2020. Collection method: clinical testing. Allele origin: germline.
Comment: The PTCH2 c.3431G>A (p.Gly1144Glu) missense change has a maximum subpopulation frequency of 0.0017% in gnomAD v2.1.1 (PM2_supporting). Five of six in silico tools predict a benign effect of this variant on protein function (BP4), but to our knowledge these predictions have not been confirmed by functional assays. To our knowledge, this variant has not been reported in individuals with Gorlin syndrome. In summary, this variant meets criteria to be classified as of uncertain significance based on the ACMG/AMP criteria: PM2_supporitng, BP4.

NM_003738.5(PTCH2):c.3431G>A (p.Gly1144Glu)

Gene: PTCH2 (patched 2; minus strand). Cytogenetic location: 1p34.1.
Variant type: single nucleotide variant.
Coding change: c.3431G>A on transcript NM_003738.5 (MANE Select); coding-DNA position 3431, G replaced by A.
Protein change: p.Gly1144Glu; replaces glycine 1144 with glutamic acid.
Molecular consequence: missense variant. On other transcripts: intron variant (1).
Genome position (GRCh38, 1-based): chr1:44,822,596, C>T on the plus strand (G>A on the coding strand, the complement: PTCH2 is on the minus strand). VCF-style: chr1-44822596-C-T. GRCh37 (hg19) VCF-style: chr1-45288268-C-T.
Other names: c.3425+6G>A (NM_001166292.2); short protein forms G1144E.
Identifiers: ClinVar variation 1691545 (VCV001691545.4), dbSNP rs1234546689, ClinGen allele CA340105624.